The following is an entry in ClinVar:

ClinVar aggregate classification (germline): Conflicting classifications of pathogenicity. Review status: criteria provided, conflicting classifications (1 of 4 stars). 12 submissions from 11 submitters: Pathogenic (2); Likely pathogenic (4); Uncertain significance (5). 1 of the submissions does not count toward it. Last evaluated 2025-11-11.

Conditions:
CFTR-related disorder (CFTR-RD). Also called: CFTR-related disorders; CFTR-related condition. Identifiers: MedGen C5924204, MONDO:7770004.
Cystic fibrosis (CF). Also called: MUCOVISCIDOSIS. Identifiers: Orphanet 586, MedGen C0010674, MONDO:0009061, OMIM 219700. Disease mechanism: loss of function.
Congenital bilateral aplasia of vas deferens from CFTR mutation (CBAVD). Identifiers: Orphanet 48, MedGen C0403814, MONDO:0010178, OMIM 277180. Disease mechanism: loss of function.
Bronchiectasis with or without elevated sweat chloride 1 (BESC1). Also called: Cystic Fibrosis-Like Syndrome. Identifiers: Orphanet 60033, MedGen C2749757, MONDO:0008887, OMIM 211400.

gnomAD v4.1: 5 of 1,613,594 alleles (0.00031%); highest among the groups gnomAD compares: Admixed American, 0.0033%; no homozygotes.

Submissions (12):

Natera, Inc.
Classification: Likely pathogenic for CFTR-related disorders. Last evaluated: 2025-11-11. Review status: criteria provided, single submitter. Criteria: Natera Variant Classification Schema (03/2026). Collection method: clinical testing. Allele origin: germline.
Comment: The c.443T>A variant in CFTR is a missense variant predicted to cause substitution of isoleucine to asparagine at amino acid 148. This variant is rare in the general population with a frequency below the threshold expected for the associated phenotype(s). This variant has been observed in one or more individuals affected with the associated recessive disease, as either homozygous or compound heterozygous with a second variant (PMID: 28771972, 15480987, 33111836, 33424627). Functional studies show that this variant may disrupt protein function (PMID: 39919950, 38388235). Computational prediction algorithms indicate this variant is likely to affect gene or protein function. Given the available evidence, this variant is classified as Likely Pathogenic.

GeneDx
Classification: Uncertain significance. Last evaluated: 2025-03-31. Review status: criteria provided, single submitter. Criteria: GeneDx Variant Classification Process June 2021. Collection method: clinical testing. Allele origin: germline. Affected: yes.
Comment: In silico analysis supports that this missense variant has a deleterious effect on protein structure/function; Not observed at significant frequency in large population cohorts (gnomAD); This variant is associated with the following publications: (PMID: 38388235, 15480987, 28771972, 26898888)

Labcorp Genetics (formerly Invitae), Labcorp
Classification: Uncertain significance for Cystic fibrosis. Last evaluated: 2025-03-28. Review status: criteria provided, single submitter. Criteria: Invitae Variant Classification Sherloc (09022015). Collection method: clinical testing. Allele origin: germline.
Comment: This sequence change replaces isoleucine, which is neutral and non-polar, with asparagine, which is neutral and polar, at codon 148 of the CFTR protein (p.Ile148Asn). This variant is not present in population databases (gnomAD no frequency). This missense change has been observed in individual(s) with atypical cystic fibrosis and cystic fibrosis (PMID: 15480987, 26898888, 28771972, 33111836). ClinVar contains an entry for this variant (Variation ID: 53949). Invitae Evidence Modeling of protein sequence and biophysical properties (such as structural, functional, and spatial information, amino acid conservation, physicochemical variation, residue mobility, and thermodynamic stability) indicates that this missense variant is expected to disrupt CFTR protein function with a positive predictive value of 80%. In summary, the available evidence is currently insufficient to determine the role of this variant in disease. Therefore, it has been classified as a Variant of Uncertain Significance.

Johns Hopkins Genomics, Johns Hopkins University
Classification: Likely pathogenic for Cystic fibrosis. Last evaluated: 2025-01-23. Review status: criteria provided, single submitter. Criteria: ACMG Guidelines, 2015. Collection method: clinical testing. Allele origin: germline.
Comment: This CFTR missense variant has been identified in multiple individuals with features of cystic fibrosis. It (rs35516286) is rare (<0.1%) in a large population dataset (gnomADv4.1.0: 5/1613594 total alleles; 0.0003%; no homozygotes) and has been reported in ClinVar (Variation ID: 53949). A functional study demonstrates that this variant significantly decreases CFTR function (5.8% of wild type control). We consider CFTR c.443T>A to be likely pathogenic.

Ambry Genetics
Classification: Pathogenic for Cystic fibrosis. Last evaluated: 2024-09-13. Review status: criteria provided, single submitter. Criteria: Ambry Variant Classification Scheme 2023. Collection method: clinical testing. Allele origin: germline.
Comment: The p.I148N pathogenic mutation (also known as c.443T>A), located in coding exon 4 of the CFTR gene, results from a T to A substitution at nucleotide position 443. The isoleucine at codon 148 is replaced by asparagine, an amino acid with dissimilar properties. The variant has been reported to occur in cis with 5T (Silva A et al. Rev Port Pneumol (2006), 2016 Feb;22:141-5; Nunes LM et al. Pediatr Pulmonol, 2017 Oct;52:1300-1305). p.I148N in isolation or in cis with 5T has been identified in conjunction with other CFTR variant(s) in individuals with features consistent with cystic fibrosis (Hirtz S et al. Gastroenterology, 2004 Oct;127:1085-95; Silva A et al. Rev Port Pneumol (2006), 2016 Feb;22:141-5; Nunes LM et al. Pediatr Pulmonol, 2017 Oct;52:1300-1305' Maciel LMZ et al. Cad Saude Publica, 2020 Oct;36:e00049719; Ambry internal data). In an assay testing CFTR function, this variant showed a functionally abnormal result (Bihler H et al. J Cyst Fibros, 2024 Jul;23:664-675). This amino acid position is not well conserved in available vertebrate species. In addition, the in silico prediction for this alteration is inconclusive. This variant is considered to be rare based on population cohorts in the Genome Aggregation Database (gnomAD). Based on the supporting evidence, this variant is interpreted as a disease-causing mutation.

Women's Health and Genetics/Laboratory Corporation of America, LabCorp
Classification: Pathogenic for Cystic fibrosis. Last evaluated: 2024-08-08. Review status: criteria provided, single submitter. Criteria: LabCorp Variant Classification Summary - May 2015. Collection method: clinical testing. Allele origin: germline.
Comment: Variant summary: CFTR c.443T>A (p.Ile148Asn) results in a non-conservative amino acid change located in the ABC transporter type 1, transmembrane domain (IPR011527) of the encoded protein sequence. Four of five in-silico tools predict a damaging effect of the variant on protein function. The variant was absent in 250526 control chromosomes. c.443T>A has been reported in the literature in the presumed compound heterozygous state in multiple individuals affected with Cystic Fibrosis or atypical Cystic Fibrosis (example, Hirtz_2004, Silva_2016,_Silva_2020, Maciel_2020). These data indicate that the variant is likely to be associated with disease. At least one publication reports experimental evidence evaluating an impact on protein function. The most pronounced variant effect resulted in approximately 5.75% of normal chloride channel conductance relative to wild type (e.g., Bihler_2024). The following publications have been ascertained in the context of this evaluation (PMID: 38388235, 32084388, 33111836, 11504857, 15480987, 10571949, 28771972, 25735457, 33424627, 26898888, 32819855, 26429520). ClinVar contains an entry for this variant (Variation ID: 53949). Based on the evidence outlined above, the variant was classified as pathogenic.

Baylor Genetics
Classification: Likely pathogenic for Bronchiectasis with or without elevated sweat chloride 1. Last evaluated: 2024-03-02. Review status: criteria provided, single submitter. Criteria: ACMG Guidelines, 2015. Collection method: clinical testing. Allele origin: unknown.

Genome-Nilou Lab
Classification: Uncertain significance for Cystic fibrosis. Last evaluated: 2021-07-22. Review status: criteria provided, single submitter. Criteria: ACMG Guidelines, 2015. Collection method: clinical testing. Allele origin: germline. Affected: no.

Mendelics
Classification: Uncertain significance for Cystic fibrosis. Last evaluated: 2020-09-14. Review status: criteria provided, single submitter. Criteria: Mendelics Assertion Criteria 2017. Collection method: clinical testing. Allele origin: unknown. Affected: yes.

Eurofins Ntd Llc (ga)
Classification: Uncertain significance. Last evaluated: 2017-02-27. Review status: criteria provided, single submitter. Criteria: EGL Classification Definitions 2015. Collection method: clinical testing. Allele origin: germline. Observed: 1 variant allele, 1 heterozygote.

Baylor Genetics
Classification: Likely pathogenic for Congenital bilateral aplasia of vas deferens from CFTR mutation; Cystic fibrosis. Review status: criteria provided, single submitter. Criteria: ACMG Guidelines, 2015. Collection method: clinical testing. Allele origin: germline.

ClinVar Staff, National Center for Biotechnology Information (NCBI)
No classification provided. Condition: CFTR-related disorders. Review status: no classification provided. Collection method: literature only. Allele origin: germline. Affected: yes. Not counted in ClinVar's aggregate classification.

Literature cited by the submitters: PubMed 28771972 (cited by 5 submitters); PubMed 15480987 (cited by 6 submitters); PubMed 33111836 (cited by 4 submitters); PubMed 33424627 (cited by Natera, Inc. and Women's Health and Genetics/Laboratory Corporation of America, LabCorp); PubMed 39919950 (cited by Natera, Inc.); PubMed 38388235 (cited by 4 submitters); PubMed 26898888 (cited by 4 submitters); PubMed 10571949 (cited by Women's Health and Genetics/Laboratory Corporation of America, LabCorp); PubMed 11504857 (cited by Women's Health and Genetics/Laboratory Corporation of America, LabCorp); PubMed 25735457 (cited by Women's Health and Genetics/Laboratory Corporation of America, LabCorp); PubMed 26429520 (cited by Women's Health and Genetics/Laboratory Corporation of America, LabCorp); PubMed 32819855 (cited by Women's Health and Genetics/Laboratory Corporation of America, LabCorp); PubMed 32084388 (cited by Women's Health and Genetics/Laboratory Corporation of America, LabCorp).

NM_000492.4(CFTR):c.443T>A (p.Ile148Asn)

Gene: CFTR (CF transmembrane conductance regulator; plus strand). Cytogenetic location: 7q31.2.
Variant type: single nucleotide variant.
Coding change: c.443T>A on transcript NM_000492.4 (MANE Select); coding-DNA position 443, T replaced by A.
Protein change: p.Ile148Asn; replaces isoleucine 148 with asparagine.
Molecular consequence: missense variant.
Genome position (GRCh38, 1-based): chr7:117,531,068, T>A. VCF-style: chr7-117531068-T-A. GRCh37 (hg19) VCF-style: chr7-117171122-T-A.
Other names: short protein forms I148N.
Identifiers: ClinVar variation 53949 (VCV000053949.22), dbSNP rs35516286, ClinGen allele CA327489.